The following is an entry in ClinVar:

ClinVar aggregate classification (germline): Uncertain significance (1 of 4 stars; one submission).

Submission:

GeneDx
Classification: Uncertain significance. Last evaluated: 2024-05-15. Review status: criteria provided, single submitter. Criteria: GeneDx Variant Classification Process June 2021. Collection method: clinical testing. Allele origin: germline. Affected: yes.
Comment: Not observed at significant frequency in large population cohorts (gnomAD); Frameshift variant predicted to result in abnormal protein length as the last 6 amino acids are replaced with 10 different amino acids; Has not been previously published as pathogenic or benign to our knowledge

NM_001042681.2(RERE):c.4680_4683del (p.Glu1561fs)

Gene: RERE (arginine-glutamic acid dipeptide repeats; minus strand). Cytogenetic location: 1p36.23.
Variant type: Microsatellite.
Coding change: c.4680_4683del on transcript NM_001042681.2 (MANE Select); coding-DNA positions 4680 to 4683, 4 bases deleted (AGAA; older notation c.4680_4683delAGAA).
Protein change: p.Glu1561fs; shifts the reading frame from glutamic acid 1561.
Molecular consequence: frameshift variant.
Genome position (GRCh38, 1-based): chr1:8,355,105-8,355,108, TTCT deleted on the plus strand (AGAA on the coding strand, the reverse complement: RERE is on the minus strand); deleting any 4 consecutive bases within chr1:8,355,105-8,355,113 gives the same sequence; the c. name uses the placement nearest the transcript's 3' end. VCF-style (leftmost placement, unchanged base first): chr1-8355104-CTTCT-C. GRCh37 (hg19) VCF-style: chr1-8415164-CTTCT-C.
Other names: c.3018_3021del, p.Glu1007fs (NM_001042682.2); c.4680_4683del, p.Glu1561fs (NM_012102.4); short protein forms E1007fs, E1561fs.
Identifiers: ClinVar variation 3381559 (VCV003381559.1).